The following is an entry in ClinVar:

NM_006218.4(PIK3CA):c.778T>C (p.Tyr260His)

Gene: PIK3CA (phosphatidylinositol-4,5-bisphosphate 3-kinase catalytic subunit alpha; plus strand). Cytogenetic location: 3q26.32.
Variant type: single nucleotide variant.
Coding change: c.778T>C on transcript NM_006218.4 (MANE Select); coding-DNA position 778, T replaced by C.
Protein change: p.Tyr260His; replaces tyrosine 260 with histidine.
Molecular consequence: missense variant.
Genome position (GRCh38, 1-based): chr3:179,201,505, T>C. VCF-style: chr3-179201505-T-C. GRCh37 (hg19) VCF-style: chr3-178919293-T-C.
Other names: short protein forms Y260H.
Identifiers: ClinVar variation 4861884 (VCV004861884.1).

ClinVar aggregate classification (germline): Uncertain significance (1 of 4 stars; one submission).

Conditions:
Inborn genetic diseases. Identifiers: MedGen C0950123, MeSH D030342.

Submission:

Ambry Genetics
Classification: Uncertain significance for Inborn genetic diseases. Last evaluated: 2026-05-17. Review status: criteria provided, single submitter. Criteria: Ambry Variant Classification Scheme 2023. Collection method: clinical testing. Allele origin: germline.
Comment: The p.Y260H variant (also known as c.778T>C), located in coding exon 3 of the PIK3CA gene, results from a T to C substitution at nucleotide position 778. The tyrosine at codon 260 is replaced by histidine, an amino acid with similar properties. This amino acid position is conserved. In addition, this alteration is predicted to be deleterious by in silico analysis. Based on the available evidence, the clinical significance of this variant remains unclear.